The following is an entry in ClinVar:

NM_016816.4(OAS1):c.469+1G>A

Gene: OAS1 (2'-5'-oligoadenylate synthetase 1; plus strand). Cytogenetic location: 12q24.13.
Variant type: single nucleotide variant.
Coding change: c.469+1G>A on transcript NM_016816.4 (MANE Select); the canonical splice donor site of the intron after coding-DNA position 469, G replaced by A.
Molecular consequence: splice donor variant. On other transcripts: intron variant (4).
Genome position (GRCh38, 1-based): chr12:112,908,825, G>A. VCF-style: chr12-112908825-G-A. GRCh37 (hg19) VCF-style: chr12-113346630-G-A.
Other names: c.469+1G>A (NM_001320151.2, NM_001406025.1, NM_001406022.1 and 6 more transcripts); c.180+1606G>A (NM_001406030.1, NM_001406029.1, NM_001406027.1 and 1 more transcripts).
Identifiers: ClinVar variation 4723173 (VCV004723173.1).

ClinVar aggregate classification (germline): Uncertain significance (1 of 4 stars; one submission).

Submission:

Labcorp Genetics (formerly Invitae), Labcorp
Classification: Uncertain significance. Last evaluated: 2025-07-14. Review status: criteria provided, single submitter. Criteria: Invitae Variant Classification Sherloc (09022015). Collection method: clinical testing. Allele origin: germline.
Comment: This sequence change affects a donor splice site in intron 2 of the OAS1 gene. It is expected to disrupt RNA splicing. Variants that disrupt the donor or acceptor splice site typically lead to a loss of protein function (PMID: 16199547), however the current clinical and genetic evidence is not sufficient to establish whether loss-of-function variants in OAS1 cause disease. This variant is not present in population databases (gnomAD no frequency). This variant has not been reported in the literature in individuals affected with OAS1-related conditions. Algorithms developed to predict the effect of sequence changes on RNA splicing suggest that this variant may disrupt the consensus splice site. In summary, the available evidence is currently insufficient to determine the role of this variant in disease. Therefore, it has been classified as a Variant of Uncertain Significance.

Literature cited by the submitters: PubMed 16199547.